The following is an entry in ClinVar:

NM_138691.3(TMC1):c.1457T>C (p.Met486Thr)

Gene: TMC1 (transmembrane channel like 1; plus strand). Cytogenetic location: 9q21.13.
Variant type: single nucleotide variant.
Coding change: c.1457T>C on transcript NM_138691.3 (MANE Select); coding-DNA position 1457, T replaced by C.
Protein change: p.Met486Thr; replaces methionine 486 with threonine.
Molecular consequence: missense variant.
Genome position (GRCh38, 1-based): chr9:72,792,243, T>C. VCF-style: chr9-72792243-T-C. GRCh37 (hg19) VCF-style: chr9-75407159-T-C.
Other names: short protein forms M486T.
Identifiers: ClinVar variation 47860 (VCV000047860.20), dbSNP rs17058153, ClinGen allele CA142055.
Genomic context (GRCh38, chr9:72,792,243, plus strand): 5'-CTTTCTAGATTGAAGAGGAGAAGCTAGTAAAGGCCAATATTACCCTTTGGGAAGCCAATA[T>C]GATCAAGGCCTACAATGCATCATTCTCTGAAAATAGCACTGGACCACCCTTTTTTGTTCA-3'
Protein context (NP_619636.2, residues 476-496): KANITLWEAN[Met486Thr]IKAYNASFSE

ClinVar aggregate classification (germline): Benign/Likely benign. Review status: criteria provided, multiple submitters, no conflicts (2 of 4 stars). 9 submissions from 8 submitters: Benign (6); Likely benign (3). Last evaluated 2026-02-04.

Conditions:
Autosomal recessive nonsyndromic hearing loss 7. Also called: DEAFNESS, AUTOSOMAL RECESSIVE 11. Identifiers: Orphanet 90636, MedGen C1832978, MONDO:0010967, OMIM 600974.
Autosomal dominant nonsyndromic hearing loss 36. Identifiers: Orphanet 90635, MedGen C1847626, MONDO:0011708, OMIM 606705.

Allele frequency attached by ClinVar (database versions not stated): TOPMed 0.01502; 1000 Genomes Project 0.01558; 1000 Genomes Project 30x 0.01624; gnomAD 0.01664 and 0.01743; ESP Exome Variant Server 0.01861; gnomAD exomes 0.02364; ExAC 0.02490.
gnomAD v4.1: 36,525 of 1,614,168 alleles (2.3%); highest among the groups gnomAD compares: South Asian, 6.1%; 623 homozygotes.

Submissions (9):

Labcorp Genetics (formerly Invitae), Labcorp
Classification: Benign. Last evaluated: 2026-02-04. Review status: criteria provided, single submitter. Criteria: Invitae Variant Classification Sherloc (09022015). Collection method: clinical testing. Allele origin: germline.

Mayo Clinic Laboratories, Mayo Clinic
Classification: Benign. Last evaluated: 2021-01-11. Review status: criteria provided, single submitter. Criteria: ACMG Guidelines, 2015. Collection method: clinical testing. Allele origin: germline. Observed: 5 variant alleles.

Athena Diagnostics
Classification: Benign. Last evaluated: 2018-12-10. Review status: criteria provided, single submitter. Criteria: Athena Diagnostics Criteria. Collection method: clinical testing. Allele origin: germline.

GeneDx
Classification: Benign. Last evaluated: 2017-10-20. Review status: criteria provided, single submitter. Criteria: GeneDx Variant Classification (06012015). Collection method: clinical testing. Allele origin: germline. Affected: yes.
Comment: This variant is considered likely benign or benign based on one or more of the following criteria: it is a conservative change, it occurs at a poorly conserved position in the protein, it is predicted to be benign by multiple in silico algorithms, and/or has population frequency not consistent with disease.

Illumina Laboratory Services, Illumina
Classification: Likely benign for Autosomal recessive nonsyndromic hearing loss 7. Last evaluated: 2017-04-27. Review status: criteria provided, single submitter. Criteria: ICSL Variant Classification Criteria 13 December 2019. Collection method: clinical testing. Allele origin: germline.
Comment: This variant was observed as part of a predisposition screen in an ostensibly healthy population. A literature search was performed for the gene, cDNA change, and amino acid change (where applicable). No publications were found based on this search. Allele frequency data from public databases allowed determination this variant is unlikely to cause disease. Therefore, this variant is classified as likely benign.

Illumina Laboratory Services, Illumina
Classification: Likely benign for Autosomal dominant nonsyndromic hearing loss 36. Last evaluated: 2017-04-27. Review status: criteria provided, single submitter. Criteria: ICSL Variant Classification Criteria 13 December 2019. Collection method: clinical testing. Allele origin: germline.
Comment: the same text as in the submission from Illumina Laboratory Services, Illumina above.

Laboratory for Molecular Medicine, Mass General Brigham Personalized Medicine
Classification: Benign. Last evaluated: 2009-08-13. Review status: criteria provided, single submitter. Criteria: LMM Criteria. Collection method: clinical testing. Allele origin: germline. Observed: 88 variant alleles.

Breakthrough Genomics
Classification: Likely benign. Review status: criteria provided, single submitter. Criteria: ACMG Guidelines, 2015. Collection method: not provided. Allele origin: germline. Inheritance: Autosomal recessive inheritance. Affected: yes.

PreventionGenetics, part of Exact Sciences
Classification: Benign. Review status: criteria provided, single submitter. Criteria: ACMG Guidelines, 2015. Collection method: clinical testing. Allele origin: germline.

Literature cited by the submitters: PubMed 16134132 (cited by Athena Diagnostics and Laboratory for Molecular Medicine, Mass General Brigham Personalized Medicine).